The following is an entry in ClinVar:

ClinVar aggregate classification (germline): Uncertain significance. Review status: criteria provided, multiple submitters, no conflicts (2 of 4 stars). 2 submissions from 2 submitters: Uncertain significance (2). Last evaluated 2025-06-23.

Conditions:
Inborn genetic diseases. Identifiers: MedGen C0950123, MeSH D030342.

Allele frequency attached by ClinVar (database versions not stated): gnomAD exomes 0.00001; gnomAD 0.00004; TOPMed 0.00010.
gnomAD v4.1: 10 of 1,208,684 alleles (0.00083%); highest among the groups gnomAD compares: Admixed American, 0.02%; 1 homozygote.

Submissions (2):

Ambry Genetics
Classification: Uncertain significance for Inborn genetic diseases. Last evaluated: 2025-06-23. Review status: criteria provided, single submitter. Criteria: Ambry Variant Classification Scheme 2023. Collection method: clinical testing. Allele origin: germline.

Labcorp Genetics (formerly Invitae), Labcorp
Classification: Uncertain significance. Last evaluated: 2024-09-21. Review status: criteria provided, single submitter. Criteria: Invitae Variant Classification Sherloc (09022015). Collection method: clinical testing. Allele origin: germline.
Comment: This sequence change replaces lysine, which is basic and polar, with glutamic acid, which is acidic and polar, at codon 977 of the AFF2 protein (p.Lys977Glu). This variant is not present in population databases (gnomAD no frequency). This variant has not been reported in the literature in individuals affected with AFF2-related conditions. ClinVar contains an entry for this variant (Variation ID: 2528673). An algorithm developed to predict the effect of missense changes on protein structure and function (PolyPhen-2) suggests that this variant is likely to be disruptive. In summary, the available evidence is currently insufficient to determine the role of this variant in disease. Therefore, it has been classified as a Variant of Uncertain Significance.

NM_002025.4(AFF2):c.2929A>G (p.Lys977Glu)

Gene: AFF2 (ALF transcription elongation factor 2; plus strand). Cytogenetic location: Xq28.
Variant type: single nucleotide variant.
Coding change: c.2929A>G on transcript NM_002025.4 (MANE Select); coding-DNA position 2929, A replaced by G.
Protein change: p.Lys977Glu; replaces lysine 977 with glutamic acid.
Molecular consequence: missense variant.
Genome position (GRCh38, 1-based): chrX:148,966,805, A>G. VCF-style: chrX-148966805-A-G. GRCh37 (hg19) VCF-style: chrX-148048335-A-G.
Other names: c.2899A>G, p.Lys967Glu (NM_001169123.2); c.2824A>G, p.Lys942Glu (NM_001169124.2, NM_001169122.2); c.2812A>G, p.Lys938Glu (NM_001169125.2); c.1852A>G, p.Lys618Glu (NM_001170628.1); short protein forms K967E, K977E, K618E, K942E, K938E.
Identifiers: ClinVar variation 2528673 (VCV002528673.6), dbSNP rs1272081225, ClinGen allele CA414511592.